The following is an entry in ClinVar:

ClinVar aggregate classification (germline): Conflicting classifications of pathogenicity. Review status: criteria provided, conflicting classifications (1 of 4 stars). 3 submissions from 3 submitters: Uncertain significance (1); Likely benign (2). Last evaluated 2025-10-23.

Allele frequency attached by ClinVar (database versions not stated): ESP Exome Variant Server 0.00008.
gnomAD v4.1: 95 of 1,613,804 alleles (0.0059%); highest among the groups gnomAD compares: Middle Eastern, 0.033%; no homozygotes.

Submissions (3):

Labcorp Genetics (formerly Invitae), Labcorp
Classification: Likely benign. Last evaluated: 2025-10-23. Review status: criteria provided, single submitter. Criteria: Invitae Variant Classification Sherloc (09022015). Collection method: clinical testing. Allele origin: germline.

Blueprint Genetics
Classification: Likely benign. Last evaluated: 2024-10-26. Review status: criteria provided, single submitter. Criteria: ACMG Guidelines, 2015. Collection method: clinical testing. Allele origin: germline.

GeneDx
Classification: Uncertain significance. Last evaluated: 2019-04-12. Review status: criteria provided, single submitter. Criteria: GeneDx Variant Classification Process June 2021. Collection method: clinical testing. Allele origin: germline. Affected: yes.
Comment: Located in a region that tolerates variation and lacks pathogenic variants; Has not been previously published as pathogenic or benign to our knowledge; In-silico analysis, which includes splice predictors and evolutionary conservation, is inconclusive as to whether the variant alters gene splicing. In the absence of RNA/functional studies, the actual effect of this sequence change is unknown.

NM_001365999.1(SZT2):c.5603-11A>G

Gene: SZT2 (SZT2 subunit of KICSTOR complex; plus strand). Cytogenetic location: 1p34.2.
Variant type: single nucleotide variant.
Coding change: c.5603-11A>G on transcript NM_001365999.1 (MANE Select); 11 bases into the intron before coding-DNA position 5603, A replaced by G.
Molecular consequence: intron variant.
Genome position (GRCh38, 1-based): chr1:43,432,978, A>G. VCF-style: chr1-43432978-A-G. GRCh37 (hg19) VCF-style: chr1-43898649-A-G.
Other names: c.5432-11A>G (NM_015284.4).
Identifiers: ClinVar variation 1305139 (VCV001305139.10), dbSNP rs199939853, ClinGen allele CA809645.